The following is an entry in ClinVar:

NM_005458.8(GABBR2):c.2816C>T (p.Ser939Leu)

Gene: GABBR2 (gamma-aminobutyric acid type B receptor subunit 2; minus strand). Cytogenetic location: 9q22.33.
Variant type: single nucleotide variant.
Coding change: c.2816C>T on transcript NM_005458.8 (MANE Select); coding-DNA position 2816, C replaced by T.
Protein change: p.Ser939Leu; replaces serine 939 with leucine.
Molecular consequence: missense variant.
Genome position (GRCh38, 1-based): chr9:98,290,594, G>A on the plus strand (C>T on the coding strand, the complement: GABBR2 is on the minus strand). VCF-style: chr9-98290594-G-A. GRCh37 (hg19) VCF-style: chr9-101052876-G-A.
Other names: short protein forms S939L.
Identifiers: ClinVar variation 4715571 (VCV004715571.1).

ClinVar aggregate classification (germline): Uncertain significance (1 of 4 stars; one submission).

Conditions:
Epileptic encephalopathy. Identifiers: MedGen C0543888, HP:0200134.

gnomAD v4.1: 3 of 1,400,776 alleles (0.00021%); highest among the groups gnomAD compares: Non-Finnish European, 0.00028%; no homozygotes.

Submission:

Labcorp Genetics (formerly Invitae), Labcorp
Classification: Uncertain significance for Epileptic encephalopathy. Last evaluated: 2025-06-22. Review status: criteria provided, single submitter. Criteria: Invitae Variant Classification Sherloc (09022015). Collection method: clinical testing. Allele origin: germline.
Comment: This sequence change replaces serine, which is neutral and polar, with leucine, which is neutral and non-polar, at codon 939 of the GABBR2 protein (p.Ser939Leu). This variant is not present in population databases (gnomAD no frequency). This variant has not been reported in the literature in individuals affected with GABBR2-related conditions. An algorithm developed to predict the effect of missense changes on protein structure and function (PolyPhen-2) suggests that this variant is likely to be disruptive. In summary, the available evidence is currently insufficient to determine the role of this variant in disease. Therefore, it has been classified as a Variant of Uncertain Significance.